The following is an entry in ClinVar:

NM_000135.4(FANCA):c.4235A>G (p.Lys1412Arg)

Genes: FANCA (FA complementation group A; minus strand), ZNF276 (zinc finger protein 276; plus strand). Cytogenetic location: 16q24.3.
Variant type: single nucleotide variant.
Coding change: c.4235A>G on transcript NM_000135.4 (MANE Select); coding-DNA position 4235, A replaced by G.
Protein change: p.Lys1412Arg; replaces lysine 1412 with arginine.
Molecular consequence: missense variant. On other transcripts: synonymous variant (1), 3 prime UTR variant (2), non-coding transcript variant (4).
Genome position (GRCh38, 1-based): chr16:89,738,907, T>C on the plus strand (A>G on the coding strand, the complement: FANCA is on the minus strand). VCF-style: chr16-89738907-T-C. GRCh37 (hg19) VCF-style: chr16-89805315-T-C.
Other names: c.4239A>G, p.Glu1413= (NM_001286167.3); c.*661T>C (NM_001113525.2, NM_152287.4); short protein forms K1412R.
Identifiers: ClinVar variation 4254166 (VCV004254166.1).
Genomic context (GRCh38, chr16:89,738,907, plus strand): 5'-CCCCACATGGCCCAAGGTGGGCATCTTGACGTTACCTCTGCCACGTGTGAGAAGCTCTTT[T>C]TCGGGCACCGAGGTATTAACTGCAGCAGAAAAAGACGAGCTTTTGTTATCAGTTCCACGG-3'
Protein context (NP_000126.2, residues 1402-1422): FLLQLIPRCP[Lys1412Arg]KSFSHVAELL

ClinVar aggregate classification (germline): Uncertain significance (1 of 4 stars; one submission).

Conditions:
Inborn genetic diseases. Identifiers: MedGen C0950123, MeSH D030342.

gnomAD v4.1: 2 of 1,614,126 alleles (0.00012%); highest among the groups gnomAD compares: African/African-American, 0.0027%; no homozygotes.

Submission:

Ambry Genetics
Classification: Uncertain significance for Inborn genetic diseases. Last evaluated: 2025-06-29. Review status: criteria provided, single submitter. Criteria: Ambry Variant Classification Scheme 2023. Collection method: clinical testing. Allele origin: germline.
Comment: The p.K1412R variant (also known as c.4235A>G), located in coding exon 42 of the FANCA gene, results from an A to G substitution at nucleotide position 4235. The lysine at codon 1412 is replaced by arginine, an amino acid with highly similar properties. This amino acid position is conserved. In addition, this alteration is predicted to be tolerated by in silico analysis. Based on the available evidence, the clinical significance of this variant remains unclear.